The following is an entry in ClinVar:

NM_001165963.4(SCN1A):c.4285G>A (p.Ala1429Thr)

Genes: SCN1A (sodium voltage-gated channel alpha subunit 1; minus strand), LOC102724058 (uncharacterized LOC102724058; plus strand). Cytogenetic location: 2q24.3.
Variant type: single nucleotide variant.
Coding change: c.4285G>A on transcript NM_001165963.4 (MANE Select); coding-DNA position 4285, G replaced by A.
Protein change: p.Ala1429Thr; replaces alanine 1429 with threonine.
Molecular consequence: missense variant. On other transcripts: non-coding transcript variant (1).
Genome position (GRCh38, 1-based): chr2:165,999,776, C>T on the plus strand (G>A on the coding strand, the complement: SCN1A is on the minus strand). VCF-style: chr2-165999776-C-T. GRCh37 (hg19) VCF-style: chr2-166856286-C-T.
Other names: p.A1429T:GCC>ACC; c.4201G>A, p.Ala1401Thr (NM_001165964.3, NM_001353957.2, NM_001353958.2); c.4285G>A, p.Ala1429Thr (NM_001202435.3, NM_001353948.2); c.4252G>A, p.Ala1418Thr (NM_001353949.2, NM_001353950.2, NM_001353951.2 and 2 more transcripts); c.4249G>A, p.Ala1417Thr (NM_001353954.2, NM_001353955.2); c.4198G>A, p.Ala1400Thr (NM_001353960.2); c.1843G>A, p.Ala615Thr (NM_001353961.2); short protein forms A1418T, A1429T, A1400T, A1417T, A1401T, A615T.
Identifiers: ClinVar variation 206822 (VCV000206822.5), dbSNP rs796053008, ClinGen allele CA317442.
Genomic context (GRCh38, chr2:165,999,776, plus strand): 5'-TACTTACATTTCTGGAATCAACTGCTGCATACATTATATCCATCCATCCTTTGAATGTGG[C>T]CTATTAAGAAGGACATGCATGTTTTACTTTGGAGTAAAAATAATTTAGACCTGATGTTTA-3'
Protein context (NP_001159435.1, residues 1419-1439): GFGYLSLLQV[Ala1429Thr]TFKGWMDIMY

ClinVar aggregate classification (germline): Pathogenic. Review status: criteria provided, multiple submitters, no conflicts (2 of 4 stars). 2 submissions from 2 submitters: Pathogenic (2). Last evaluated 2023-03-27.

Conditions:
Early-infantile DEE. Also called: Ohtahara syndrome; Early infantile epileptic encephalopathy; Early infantile epileptic encephalopathy with suppression bursts. Identifiers: Orphanet 1934, MedGen C0393706, MONDO:0800491.

Submissions (2):

Labcorp Genetics (formerly Invitae), Labcorp
Classification: Pathogenic for Early-infantile DEE. Last evaluated: 2023-03-27. Review status: criteria provided, single submitter. Criteria: Invitae Variant Classification Sherloc (09022015). Collection method: clinical testing. Allele origin: germline.
Comment: ClinVar contains an entry for this variant (Variation ID: 206822). For these reasons, this variant has been classified as Pathogenic. This variant disrupts the p.Ala1429 amino acid residue in SCN1A. Other variant(s) that disrupt this residue have been determined to be pathogenic (PMID: 28084635; Invitae). This suggests that this residue is clinically significant, and that variants that disrupt this residue are likely to be disease-causing. An algorithm developed to predict the effect of missense changes on protein structure and function (PolyPhen-2) suggests that this variant is likely to be disruptive. This missense change has been observed in individual(s) with clinical features of SCN1A-related conditions and/or epilepsy and neurodevelopmental disorder (PMID: 29655203; Invitae). In at least one individual the variant was observed to be de novo. This variant is not present in population databases (gnomAD no frequency). This sequence change replaces alanine, which is neutral and non-polar, with threonine, which is neutral and polar, at codon 1429 of the SCN1A protein (p.Ala1429Thr).

GeneDx
Classification: Pathogenic. Last evaluated: 2014-01-28. Review status: criteria provided, single submitter. Criteria: GeneDx Variant Classification (06012015). Collection method: clinical testing. Allele origin: germline. Affected: yes.
Comment: p.Ala1429Thr (GCC>ACC): c.4285 G>A in exon 22 of the SCN1A gene (NM_001165963.1) The c.4285 G>A nucleotide substitution in the SCN1A gene has not been published as a mutation, nor has it been reported as a benign polymorphism to our knowledge. It was not observed in approximately 6,500 individuals of European and African American ancestry in the NHLBI Exome Sequencing Project, indicating it is not a common benign variant in these populations. Another amino acid substitution at the same position (Ala1429Asp) has been reported in association with intractable epilepsy (Wang et al., 2012). The c.4285 G>A change is adjacent to the intronic acceptor sequence and multiple in silico algorithms predict that it may destroy the natural splice acceptor site, leading to abnormal splicing. However, in the absence of RNA/functional studies the actual effect of c.4285 G>A on splicing is unknown. If c.4285 G>A does not alter splicing it will result in the Ala1429Thr missense change, which is a non-conservative amino acid substitution of a non-polar Alanine residue with a polar Threonine residue. It alters a highly conserved position between the S5 and S6 subunits of the third transmembrane domain, and missense mutations associated with epilepsy have been reported in this region of the protein. In silico analysis predicts this variant is probably damaging to the protein structure/function.Therefore, the c.4285 G>A substitution identified is considered a disease-causing mutation. The variant is found in EPILEPSY panel(s).

Literature cited by the submitters: PubMed 28084635 (cited by Labcorp Genetics (formerly Invitae), Labcorp); PubMed 29655203 (cited by Labcorp Genetics (formerly Invitae), Labcorp).